The following is an entry in ClinVar:

NM_001267550.2(TTN):c.74840G>A (p.Arg24947His)

Genes: TTN-AS1 (TTN antisense RNA 1; plus strand), TTN (titin; minus strand). Cytogenetic location: 2q31.2.
Variant type: single nucleotide variant.
Coding change: c.74840G>A on transcript NM_001267550.2 (MANE Select); coding-DNA position 74840, G replaced by A.
Protein change: p.Arg24947His; replaces arginine 24947 with histidine.
Molecular consequence: missense variant.
Genome position (GRCh38, 1-based): chr2:178,571,292, C>T on the plus strand (G>A on the coding strand, the complement: TTN is on the minus strand). VCF-style: chr2-178571292-C-T. GRCh37 (hg19) VCF-style: chr2-179436019-C-T.
Other names: c.69917G>A, p.Arg23306His (NM_001256850.1); c.47645G>A, p.Arg15882His (NM_003319.4); c.67136G>A, p.Arg22379His (NM_133378.4); c.48020G>A, p.Arg16007His (NM_133432.3); c.48221G>A, p.Arg16074His (NM_133437.4); short protein forms R24947H, R16007H, R22379H, R23306H, R15882H, R16074H.
Identifiers: ClinVar variation 191133 (VCV000191133.5), dbSNP rs765512476, ClinGen allele CA236084.

ClinVar aggregate classification (germline): Conflicting classifications of pathogenicity. Review status: criteria provided, conflicting classifications (1 of 4 stars). 3 submissions from 3 submitters: Likely pathogenic (1); Uncertain significance (1); Likely benign (1). Last evaluated 2020-01-17.

Conditions:
Dilated cardiomyopathy 1G (CMD1G). Identifiers: Orphanet 154, MedGen C1858763, MONDO:0011400, OMIM 604145.

Allele frequency attached by ClinVar (database versions not stated): gnomAD 0.00001 and 0.00002; gnomAD exomes 0.00001 and 0.00003; ExAC 0.00003; 1000 Genomes Project 30x 0.00016.

Submissions (3):

Baylor Genetics
Classification: Uncertain significance for Dilated cardiomyopathy 1G. Last evaluated: 2020-01-17. Review status: criteria provided, single submitter. Criteria: ACMG Guidelines, 2015. Collection method: clinical testing. Allele origin: unknown. Affected: yes.
Comment: This variant was determined to be of uncertain significance according to ACMG Guidelines, 2015 [PMID:25741868].

GeneDx
Classification: Likely benign. Last evaluated: 2018-10-30. Review status: criteria provided, single submitter. Criteria: GeneDx Variant Classification Process June 2021. Collection method: clinical testing. Allele origin: germline. Affected: yes.
Comment: This variant is associated with the following publications: (PMID: 31589614)

Genomic Medicine Center of Excellence, King Faisal Specialist Hospital and Research Centre
Classification: Likely pathogenic. Review status: criteria provided, single submitter. Criteria: ACMG Guidelines, 2015. Collection method: research. Allele origin: germline. Affected: yes.